The following is an entry in ClinVar:

ClinVar aggregate classification (germline): Benign/Likely benign. Review status: criteria provided, multiple submitters, no conflicts (2 of 4 stars). 4 submissions from 4 submitters: Benign (2); Likely benign (2). Last evaluated 2025-12-03.

Allele frequency attached by ClinVar (database versions not stated): ESP Exome Variant Server 0.00008; gnomAD 0.00027 and 0.00040; TOPMed 0.00029; gnomAD exomes 0.00036 and 0.00063; 1000 Genomes Project 30x 0.00047; 1000 Genomes Project 0.00060; ExAC 0.00068.
gnomAD v4.1: 581 of 1,614,154 alleles (0.036%); highest among the groups gnomAD compares: South Asian, 0.38%; 5 homozygotes.

Submissions (4):

Labcorp Genetics (formerly Invitae), Labcorp
Classification: Benign. Last evaluated: 2025-12-03. Review status: criteria provided, single submitter. Criteria: Invitae Variant Classification Sherloc (09022015). Collection method: clinical testing. Allele origin: germline.

Blueprint Genetics
Classification: Likely benign. Last evaluated: 2024-10-16. Review status: criteria provided, single submitter. Criteria: ACMG Guidelines, 2015. Collection method: clinical testing. Allele origin: germline.

CeGaT Center for Human Genetics Tuebingen
Classification: Likely benign. Last evaluated: 2023-03-01. Review status: criteria provided, single submitter. Criteria: CeGaT Center For Human Genetics Tuebingen Variant Classification Criteria Version 2. Collection method: clinical testing. Allele origin: germline. Affected: yes. Observed: 2 variant alleles.
Comment: LRRC8A: BP4, BP7

Breakthrough Genomics
Classification: Benign. Review status: criteria provided, single submitter. Criteria: ACMG Guidelines, 2015. Collection method: not provided. Allele origin: germline. Inheritance: Autosomal dominant inheritance. Affected: yes.

NM_019594.4(LRRC8A):c.855C>T (p.Tyr285=)

Gene: LRRC8A (leucine rich repeat containing 8 VRAC subunit A; plus strand). Cytogenetic location: 9q34.11.
Variant type: single nucleotide variant.
Coding change: c.855C>T on transcript NM_019594.4 (MANE Select); coding-DNA position 855, C replaced by T.
Protein change: p.Tyr285=; no amino-acid change (tyrosine 285 retained).
Molecular consequence: synonymous variant.
Genome position (GRCh38, 1-based): chr9:128,908,019, C>T. VCF-style: chr9-128908019-C-T. GRCh37 (hg19) VCF-style: chr9-131670298-C-T.
Other names: c.855C>T, p.Tyr285= (NM_001127244.2, NM_001127245.2).
Identifiers: ClinVar variation 742757 (VCV000742757.34), dbSNP rs373107119, ClinGen allele CA5270783.